The following is an entry in ClinVar:

NM_177438.3(DICER1):c.5434T>C (p.Phe1812Leu)

Gene: DICER1 (dicer 1, ribonuclease III; minus strand). Cytogenetic location: 14q32.13.
Variant type: single nucleotide variant.
Coding change: c.5434T>C on transcript NM_177438.3 (MANE Select); coding-DNA position 5434, T replaced by C.
Protein change: p.Phe1812Leu; replaces phenylalanine 1812 with leucine.
Molecular consequence: missense variant. On other transcripts: non-coding transcript variant (6), intron variant (1).
Genome position (GRCh38, 1-based): chr14:95,091,296, A>G on the plus strand (T>C on the coding strand, the complement: DICER1 is on the minus strand). VCF-style: chr14-95091296-A-G. GRCh37 (hg19) VCF-style: chr14-95557633-A-G.
Other names: c.5434T>C, p.Phe1812Leu (NM_001271282.3, NM_001291628.2, NM_001395677.1 and 7 more transcripts); c.5152T>C, p.Phe1718Leu (NM_001395686.1); c.5029T>C, p.Phe1677Leu (NM_001395687.1, NM_001395688.1, NM_001395689.1 and 1 more transcripts); c.4867T>C, p.Phe1623Leu (NM_001395691.1); c.3751T>C, p.Phe1251Leu (NM_001395697.1); c.5365-187T>C (NM_001195573.1); short protein forms F1677L, F1251L, F1812L, F1623L, F1718L.
Identifiers: ClinVar variation 3501859 (VCV003501859.1).
Genomic context (GRCh38, chr14:95,091,296, plus strand): 5'-GCCAGACTGTCTCCAGTGACATCCCACTATCCATGTAAATGGCACCAGCAAGCGACTCAA[A>G]AATATCCCCCATGGCCTTTGGAACTTCAATATCCTCTTCTTTCTCTTCATCCTCCTCAGA-3'
Protein context (NP_803187.1, residues 1802-1822): IEVPKAMGDI[Phe1812Leu]ESLAGAIYMD

ClinVar aggregate classification (germline): Uncertain significance (1 of 4 stars; one submission).

Conditions:
Hereditary cancer-predisposing syndrome. Also called: Tumor predisposition; Neoplastic Syndromes, Hereditary; Hereditary Cancer Syndrome; Hereditary neoplastic syndrome. Identifiers: Orphanet 140162, MedGen C0027672, MeSH D009386, MONDO:0015356.

Submission:

Ambry Genetics
Classification: Uncertain significance for Hereditary cancer-predisposing syndrome. Last evaluated: 2024-08-06. Review status: criteria provided, single submitter. Criteria: Ambry Variant Classification Scheme 2023. Collection method: clinical testing. Allele origin: germline.
Comment: The p.F1812L variant (also known as c.5434T>C), located in coding exon 24 of the DICER1 gene, results from a T to C substitution at nucleotide position 5434. The phenylalanine at codon 1812 is replaced by leucine, an amino acid with highly similar properties. This amino acid position is highly conserved in available vertebrate species. In addition, this alteration is predicted to be deleterious by in silico analysis. Based on the available evidence, the clinical significance of this variant remains unclear.